The following is an entry in ClinVar:

ClinVar aggregate classification (germline): Uncertain significance (1 of 4 stars; one submission).

Conditions:
Hereditary spastic paraplegia 7 (SPG7). Also called: Spastic paraplegia 7; Hereditary spastic paraplegia Paraplegin type; SPG7-related neurologic disorder; SPASTIC PARAPLEGIA 7, AUTOSOMAL RECESSIVE, WITH OR WITHOUT CEREBELLAR ATAXIA; Autosomal recessive spastic paraplegia type 7. Identifiers: Orphanet 99013, MedGen C1846564, MONDO:0011803, OMIM 607259.

Allele frequency attached by ClinVar (database versions not stated): gnomAD 0.00003; TOPMed 0.00005; ExAC 0.00014.
gnomAD v4.1: 60 of 1,495,064 alleles (0.004%); highest among the groups gnomAD compares: Non-Finnish European, 0.0051%; no homozygotes.

Submission:

Labcorp Genetics (formerly Invitae), Labcorp
Classification: Uncertain significance for Hereditary spastic paraplegia 7. Last evaluated: 2025-12-06. Review status: criteria provided, single submitter. Criteria: Invitae Variant Classification Sherloc (09022015). Collection method: clinical testing. Allele origin: germline.
Comment: This sequence change replaces proline, which is neutral and non-polar, with leucine, which is neutral and non-polar, at codon 49 of the SPG7 protein (p.Pro49Leu). The frequency data for this variant in the population databases is considered unreliable, as metrics indicate poor data quality at this position in the gnomAD database. This variant has not been reported in the literature in individuals affected with SPG7-related conditions. ClinVar contains an entry for this variant (Variation ID: 2141959). An algorithm developed to predict the effect of missense changes on protein structure and function outputs the following: PolyPhen-2: "Benign". The leucine amino acid residue is found in multiple mammalian species, which suggests that this missense change does not adversely affect protein function. In summary, the available evidence is currently insufficient to determine the role of this variant in disease. Therefore, it has been classified as a Variant of Uncertain Significance.

NM_003119.4(SPG7):c.146C>T (p.Pro49Leu)

Genes: SPG7 (SPG7 matrix AAA peptidase subunit, paraplegin; plus strand), LOC130059818 (ATAC-STARR-seq lymphoblastoid silent region 7911; plus strand). Cytogenetic location: 16q24.3.
Variant type: single nucleotide variant.
Coding change: c.146C>T on transcript NM_003119.4 (MANE Select); coding-DNA position 146, C replaced by T.
Protein change: p.Pro49Leu; replaces proline 49 with leucine.
Molecular consequence: missense variant.
Genome position (GRCh38, 1-based): chr16:89,508,563, C>T. VCF-style: chr16-89508563-C-T. GRCh37 (hg19) VCF-style: chr16-89574971-C-T.
Other names: c.146C>T, p.Pro49Leu (NM_001363850.1, NM_199367.3); short protein forms P49L.
Identifiers: ClinVar variation 2141959 (VCV002141959.4), dbSNP rs758294851, ClinGen allele CA8243396.
Genomic context (GRCh38, chr16:89,508,563, plus strand): 5'-GGAGTCCAGGGTTCCCCGCCAGGCCCGGGAGGGGGCGGCCGTACATGGCCAGCAGGCCTC[C>T]GGGGGACCTCGCCGAGGCTGGAGGCCGAGCTCTGCAGGTAAATCCCCGCGGAGTCCGGGC-3'
Protein context (NP_003110.1, residues 39-59): RGRPYMASRP[Pro49Leu]GDLAEAGGRA